The following is an entry in ClinVar:

NM_203446.3(SYNJ1):c.1535C>T (p.Ala512Val)

Gene: SYNJ1 (synaptojanin 1; minus strand). Cytogenetic location: 21q22.11.
Variant type: single nucleotide variant.
Coding change: c.1535C>T on transcript NM_203446.3 (MANE Select); coding-DNA position 1535, C replaced by T.
Protein change: p.Ala512Val; replaces alanine 512 with valine.
Molecular consequence: missense variant.
Genome position (GRCh38, 1-based): chr21:32,673,531, G>A on the plus strand (C>T on the coding strand, the complement: SYNJ1 is on the minus strand). VCF-style: chr21-32673531-G-A. GRCh37 (hg19) VCF-style: chr21-34045841-G-A.
Other names: p.Ala551Val; c.1535C>T, p.Ala512Val (NM_001160302.2); c.1520C>T, p.Ala507Val (NM_001160306.2); c.1652C>T, p.Ala551Val (NM_003895.4); short protein forms A551V, A507V, A512V.
Identifiers: ClinVar variation 544579 (VCV000544579.14), dbSNP rs115989459, ClinGen allele CA10003850.
Genomic context (GRCh38, chr21:32,673,531, plus strand): 5'-TTCTTAGGCTTTGAATATTTGTAGAAATTCTCACACATGCTCTTTAGTACTTTAGAAGAT[G>A]CTAATCAAGAGAAGACACAATAGAATTTTAGCTGCATCAAACCATTTATAAAAATTGATT-3'
Protein context (NP_982271.3, residues 502-522): LRVSEQTLQS[Ala512Val]SSKVLKSMCE

ClinVar aggregate classification (germline): Conflicting classifications of pathogenicity. Review status: criteria provided, conflicting classifications (1 of 4 stars). 4 submissions from 4 submitters: Uncertain significance (2); Likely benign (2). Last evaluated 2025-11-10.

Conditions:
Early-onset Parkinson disease 20. Also called: PARKINSON DISEASE 20, AUTOSOMAL RECESSIVE EARLY-ONSET. Identifiers: Orphanet 391411, MedGen C3809824, MONDO:0014233, OMIM 615530.
Developmental and epileptic encephalopathy, 53. Also called: Epileptic encephalopathy, early infantile, 53. Identifiers: MedGen C4479313, MONDO:0033362, OMIM 617389.

Allele frequency attached by ClinVar (database versions not stated): ExAC 0.00039; 1000 Genomes Project 0.00060; 1000 Genomes Project 30x 0.00062; gnomAD 0.00005 and 0.00007; gnomAD exomes 0.00009 and 0.00035; TOPMed 0.00028.
gnomAD v4.1: 150 of 1,597,650 alleles (0.0094%); highest among the groups gnomAD compares: East Asian, 0.28%; 1 homozygote.

Submissions (4):

Labcorp Genetics (formerly Invitae), Labcorp
Classification: Likely benign for Developmental and epileptic encephalopathy, 53; Early-onset Parkinson disease 20. Last evaluated: 2025-11-10. Review status: criteria provided, single submitter. Criteria: Invitae Variant Classification Sherloc (09022015). Collection method: clinical testing. Allele origin: germline.

Mayo Clinic Laboratories, Mayo Clinic
Classification: Uncertain significance. Last evaluated: 2025-02-01. Review status: criteria provided, single submitter. Criteria: ACMG Guidelines, 2015. Collection method: clinical testing. Allele origin: germline. Observed: 1 variant allele.
Comment: BS1

GeneDx
Classification: Uncertain significance. Last evaluated: 2022-07-01. Review status: criteria provided, single submitter. Criteria: GeneDx Variant Classification Process June 2021. Collection method: clinical testing. Allele origin: germline. Affected: yes.
Comment: In silico analysis supports that this missense variant does not alter protein structure/function; In-silico analysis is inconclusive as to whether the variant alters gene splicing. In the absence of RNA/functional studies, the actual effect of this sequence change is unknown.; Reported along with a second variant in the SYNJ1 gene in a patient with Parkinson disease in the published literature; however, segregation information was not provided (Li et al., 2020); This variant is associated with the following publications: (PMID: 32171587, 34426522, 26149920, 30788857)

Breakthrough Genomics
Classification: Likely benign. Review status: criteria provided, single submitter. Criteria: ACMG Guidelines, 2015. Collection method: not provided. Allele origin: germline. Inheritance: Autosomal recessive inheritance. Affected: yes.

Literature cited by the submitters: PubMed 26149920 (cited by Mayo Clinic Laboratories, Mayo Clinic); PubMed 30788857 (cited by Mayo Clinic Laboratories, Mayo Clinic); PubMed 32171587 (cited by Mayo Clinic Laboratories, Mayo Clinic); PubMed 32613234 (cited by Mayo Clinic Laboratories, Mayo Clinic); PubMed 35861376 (cited by Mayo Clinic Laboratories, Mayo Clinic).